The following is an entry in ClinVar:

ClinVar aggregate classification (germline): Uncertain significance. Review status: criteria provided, multiple submitters, no conflicts (2 of 4 stars). 3 submissions from 3 submitters: Uncertain significance (3). Last evaluated 2025-12-13.

Conditions:
Thrombophilia due to protein C deficiency, autosomal dominant. Also called: PROC DEFICIENCY, AUTOSOMAL DOMINANT; PROTEIN C DEFICIENCY, AUTOSOMAL DOMINANT. Identifiers: Orphanet 745, MedGen C2674321, MONDO:0008316, OMIM 176860. Disease mechanism: loss of function.
Thrombophilia due to protein C deficiency, autosomal recessive. Also called: PROC DEFICIENCY, AUTOSOMAL RECESSIVE; PROTEIN C DEFICIENCY, AUTOSOMAL RECESSIVE. Identifiers: Orphanet 745, MedGen C2676759, MONDO:0012860, OMIM 612304.

Allele frequency attached by ClinVar (database versions not stated): gnomAD 0.00001; gnomAD exomes 0.00002 and 0.00007; ExAC 0.00003; TOPMed 0.00003.
gnomAD v4.1: 112 of 1,612,158 alleles (0.0069%); highest among the groups gnomAD compares: Non-Finnish European, 0.009%; no homozygotes.

Submissions (3):

Labcorp Genetics (formerly Invitae), Labcorp
Classification: Uncertain significance for Thrombophilia due to protein C deficiency, autosomal dominant. Last evaluated: 2025-12-13. Review status: criteria provided, single submitter. Criteria: Invitae Variant Classification Sherloc (09022015). Collection method: clinical testing. Allele origin: germline.
Comment: This sequence change replaces tryptophan, which is neutral and slightly polar, with serine, which is neutral and polar, at codon 414 of the PROC protein (p.Trp414Ser). This variant is present in population databases (rs768759265, gnomAD 0.005%). This variant has not been reported in the literature in individuals affected with PROC-related conditions. ClinVar contains an entry for this variant (Variation ID: 893934). Invitae Evidence Modeling of protein sequence and biophysical properties (such as structural, functional, and spatial information, amino acid conservation, physicochemical variation, residue mobility, and thermodynamic stability) has been performed for this missense variant. However, the output from this modeling did not meet the statistical confidence thresholds required to predict the impact of this variant on PROC protein function. In summary, the available evidence is currently insufficient to determine the role of this variant in disease. Therefore, it has been classified as a Variant of Uncertain Significance.

Fulgent Genetics
Classification: Uncertain significance for Thrombophilia due to protein C deficiency, autosomal dominant; Thrombophilia due to protein C deficiency, autosomal recessive. Last evaluated: 2021-10-16. Review status: criteria provided, single submitter. Criteria: ACMG Guidelines, 2015. Collection method: clinical testing. Allele origin: unknown.

Illumina Laboratory Services, Illumina
Classification: Uncertain significance for Thrombophilia due to protein C deficiency, autosomal dominant. Last evaluated: 2017-04-27. Review status: criteria provided, single submitter. Criteria: ICSL Variant Classification Criteria 13 December 2019. Collection method: clinical testing. Allele origin: germline.

NM_000312.4(PROC):c.1241G>C (p.Trp414Ser)

Gene: PROC (protein C, inactivator of coagulation factors Va and VIIIa; plus strand). Cytogenetic location: 2q14.3.
Variant type: single nucleotide variant.
Coding change: c.1241G>C on transcript NM_000312.4 (MANE Select); coding-DNA position 1241, G replaced by C.
Protein change: p.Trp414Ser; replaces tryptophan 414 with serine.
Molecular consequence: missense variant.
Genome position (GRCh38, 1-based): chr2:127,428,801, G>C. VCF-style: chr2-127428801-G-C. GRCh37 (hg19) VCF-style: chr2-128186377-G-C.
Other names: c.1424G>C, p.Trp475Ser (NM_001375602.1); c.1406G>C, p.Trp469Ser (NM_001375603.1); c.1304G>C, p.Trp435Ser (NM_001375604.1); c.1343G>C, p.Trp448Ser (NM_001375605.1); c.1409G>C, p.Trp470Ser (NM_001375606.1); c.1427G>C, p.Trp476Ser (NM_001375607.1); c.1184G>C, p.Trp395Ser (NM_001375608.1); c.1217G>C, p.Trp406Ser (NM_001375609.1); and 2 more; short protein forms W412S, W469S, W475S, W414S, W406S, W448S, W476S, W395S.
Identifiers: ClinVar variation 893934 (VCV000893934.6), dbSNP rs768759265, ClinGen allele CA1859553.
Genomic context (GRCh38, chr2:127,428,801, plus strand): 5'-GGCAGGATGCCTGCGAGGGCGACAGTGGGGGGCCCATGGTCGCCTCCTTCCACGGCACCT[G>C]GTTCCTGGTGGGCCTGGTGAGCTGGGGTGAGGGCTGTGGGCTCCTTCACAACTACGGCGT-3'
Protein context (NP_000303.1, residues 404-424): GPMVASFHGT[Trp414Ser]FLVGLVSWGE